The following is an entry in ClinVar:

ClinVar aggregate classification (germline): Uncertain significance (1 of 4 stars; one submission).

Allele frequency attached by ClinVar (database versions not stated): gnomAD exomes below 0.00001; ExAC 0.00001.
gnomAD v4.1: 8 of 1,614,016 alleles (0.0005%); highest among the groups gnomAD compares: Non-Finnish European, 0.00059%; no homozygotes.

Submission:

Labcorp Genetics (formerly Invitae), Labcorp
Classification: Uncertain significance. Last evaluated: 2025-04-23. Review status: criteria provided, single submitter. Criteria: Invitae Variant Classification Sherloc (09022015). Collection method: clinical testing. Allele origin: germline.
Comment: This sequence change replaces serine, which is neutral and polar, with proline, which is neutral and non-polar, at codon 655 of the SCN3A protein (p.Ser655Pro). This variant is present in population databases (rs200944212, gnomAD 0.0009%). This variant has not been reported in the literature in individuals affected with SCN3A-related conditions. ClinVar contains an entry for this variant (Variation ID: 2976924). Invitae Evidence Modeling of protein sequence and biophysical properties (such as structural, functional, and spatial information, amino acid conservation, physicochemical variation, residue mobility, and thermodynamic stability) indicates that this missense variant is not expected to disrupt SCN3A protein function with a negative predictive value of 80%. In summary, the available evidence is currently insufficient to determine the role of this variant in disease. Therefore, it has been classified as a Variant of Uncertain Significance.

NM_006922.4(SCN3A):c.1963T>C (p.Ser655Pro)

Gene: SCN3A (sodium voltage-gated channel alpha subunit 3; minus strand). Cytogenetic location: 2q24.3.
Variant type: single nucleotide variant.
Coding change: c.1963T>C on transcript NM_006922.4 (MANE Select); coding-DNA position 1963, T replaced by C.
Protein change: p.Ser655Pro; replaces serine 655 with proline.
Molecular consequence: missense variant. On other transcripts: intron variant (2).
Genome position (GRCh38, 1-based): chr2:165,140,707, A>G on the plus strand (T>C on the coding strand, the complement: SCN3A is on the minus strand). VCF-style: chr2-165140707-A-G. GRCh37 (hg19) VCF-style: chr2-165997217-A-G.
Other names: c.1872+91T>C (NM_001081676.2, NM_001081677.2); short protein forms S655P.
Identifiers: ClinVar variation 2976924 (VCV002976924.3), dbSNP rs200944212, ClinGen allele CA1939059.
Genomic context (GRCh38, chr2:165,140,707, plus strand): 5'-TCACCTCTGGGGGAAGTTGTCCAGTAGGTGACGTTAGAGCTGAAGGTCCACCCACCAAGG[A>G]AACCACACCATTGCAATCCACAGTGCTGTGCATCTTCCCATTTGCTGGAAGCCCTGGCAC-3'
Protein context (NP_008853.3, residues 645-665): HSTVDCNGVV[Ser655Pro]LVGGPSALTS